The following is an entry in ClinVar:

ClinVar aggregate classification (germline): Uncertain significance. Review status: criteria provided, multiple submitters, no conflicts (2 of 4 stars). 2 submissions from 2 submitters: Uncertain significance (2). Last evaluated 2024-02-22.

Conditions:
Episodic ataxia type 2 (EA2). Also called: ATAXIA, EPISODIC, WITH NYSTAGMUS; ATAXIA, FAMILIAL PAROXYSMAL; CEREBELLAR ATAXIA, PAROXYSMAL, ACETAZOLAMIDE-RESPONSIVE; CEREBELLOPATHY, HEREDITARY PAROXYSMAL; ACETAZOLAMIDE-RESPONSIVE HEREDITARY PAROXYSMAL CEREBELLAR ATAXIA; EPISODIC ATAXIA, NYSTAGMUS-ASSOCIATED. Identifiers: Orphanet 97, MedGen C1720416, MONDO:0007163, OMIM 108500.
Developmental and epileptic encephalopathy, 42 (DEE42A). Also called: Epileptic encephalopathy, early infantile, 42; DEVELOPMENTAL AND EPILEPTIC ENCEPHALOPATHY 42A; EPILEPTIC ENCEPHALOPATHY, EARLY INFANTILE, 42A. Identifiers: MedGen C4310716, MONDO:0014917, OMIM 617106.

Allele frequency attached by ClinVar (database versions not stated): gnomAD exomes below 0.00001.
gnomAD v4.1: 1 of 1,549,772 alleles (0.000065%); highest among the groups gnomAD compares: Non-Finnish European, 0.000087%; no homozygotes.

Submissions (2):

GeneDx
Classification: Uncertain significance. Last evaluated: 2024-02-22. Review status: criteria provided, single submitter. Criteria: GeneDx Variant Classification Process June 2021. Collection method: clinical testing. Allele origin: germline. Affected: yes.
Comment: Not observed at significant frequency in large population cohorts (gnomAD); In silico analysis supports a deleterious effect on splicing; Has not been previously published as pathogenic or benign to our knowledge

Labcorp Genetics (formerly Invitae), Labcorp
Classification: Uncertain significance for Developmental and epileptic encephalopathy, 42; Episodic ataxia type 2. Last evaluated: 2022-06-17. Review status: criteria provided, single submitter. Criteria: Invitae Variant Classification Sherloc (09022015). Collection method: clinical testing. Allele origin: germline.
Comment: Variants that disrupt the consensus splice site are a relatively common cause of aberrant splicing (PMID: 17576681, 9536098). Algorithms developed to predict the effect of sequence changes on RNA splicing suggest that this variant may disrupt the consensus splice site. This sequence change falls in intron 10 of the CACNA1A gene. It does not directly change the encoded amino acid sequence of the CACNA1A protein. It affects a nucleotide within the consensus splice site. This variant is not present in population databases (gnomAD no frequency). This variant has not been reported in the literature in individuals affected with CACNA1A-related conditions. In summary, the available evidence is currently insufficient to determine the role of this variant in disease. Therefore, it has been classified as a Variant of Uncertain Significance.

Literature cited by the submitters: PubMed 17576681 (cited by Labcorp Genetics (formerly Invitae), Labcorp); PubMed 9536098 (cited by Labcorp Genetics (formerly Invitae), Labcorp).

NM_001127222.2(CACNA1A):c.1345+4A>G

Gene: CACNA1A (calcium voltage-gated channel subunit alpha1 A; minus strand). Cytogenetic location: 19p13.13.
Variant type: single nucleotide variant.
Coding change: c.1345+4A>G on transcript NM_001127222.2 (MANE Select); 4 bases into the intron after coding-DNA position 1345, A replaced by G.
Molecular consequence: intron variant.
Genome position (GRCh38, 1-based): chr19:13,330,240, T>C on the plus strand (A>G on the coding strand, the complement: CACNA1A is on the minus strand). VCF-style: chr19-13330240-T-C. GRCh37 (hg19) VCF-style: chr19-13441054-T-C.
Other names: c.1348+4A>G (NM_001127221.2, NM_001174080.2, NM_000068.4 and 1 more transcripts).
Identifiers: ClinVar variation 2007729 (VCV002007729.5), dbSNP rs2513030955, ClinGen allele CA2580096584.